The following is an entry in ClinVar:

NM_001379180.1(ESRRB):c.949G>A (p.Asp317Asn)

Gene: ESRRB (estrogen related receptor beta; plus strand). Cytogenetic location: 14q24.3.
Variant type: single nucleotide variant.
Coding change: c.949G>A on transcript NM_001379180.1 (MANE Select); coding-DNA position 949, G replaced by A.
Protein change: p.Asp317Asn; replaces aspartic acid 317 with asparagine.
Molecular consequence: missense variant.
Genome position (GRCh38, 1-based): chr14:76,491,545, G>A. VCF-style: chr14-76491545-G-A. GRCh37 (hg19) VCF-style: chr14-76957888-G-A.
Other names: c.886G>A, p.Asp296Asn (NM_004452.4); short protein forms D296N, D317N.
Identifiers: ClinVar variation 666697 (VCV000666697.12), dbSNP rs145982062, ClinGen allele CA7281732.

ClinVar aggregate classification (germline): Conflicting classifications of pathogenicity. Review status: criteria provided, conflicting classifications (1 of 4 stars). 6 submissions from 6 submitters: Uncertain significance (2); Likely benign (3). 1 of the submissions does not count toward it. Last evaluated 2025-02-28.

Conditions:
ESRRB-related disorder. Also called: ESRRB-related condition.

Allele frequency attached by ClinVar (database versions not stated): gnomAD exomes 0.00010 and 0.00039; 1000 Genomes Project 0.00040; gnomAD 0.00042 and 0.00046; 1000 Genomes Project 30x 0.00047; TOPMed 0.00048; ExAC 0.00063.
gnomAD v4.1: 203 of 1,593,454 alleles (0.013%); highest among the groups gnomAD compares: Admixed American, 0.14%; 1 homozygote.

Submissions (6):

Ambry Genetics
Classification: Uncertain significance. Last evaluated: 2025-02-28. Review status: criteria provided, single submitter. Criteria: Ambry Variant Classification Scheme 2023. Collection method: clinical testing. Allele origin: germline.

Blueprint Genetics
Classification: Uncertain significance. Last evaluated: 2024-03-21. Review status: criteria provided, single submitter. Criteria: ACMG Guidelines, 2015. Collection method: clinical testing. Allele origin: germline.

GeneDx
Classification: Likely benign. Last evaluated: 2021-04-13. Review status: criteria provided, single submitter. Criteria: GeneDx Variant Classification Process June 2021. Collection method: clinical testing. Allele origin: germline. Affected: yes.

Laboratory for Molecular Medicine, Mass General Brigham Personalized Medicine
Classification: Likely benign. Last evaluated: 2017-08-23. Review status: criteria provided, single submitter. Criteria: LMM Criteria. Collection method: clinical testing. Allele origin: germline. Observed: 1 variant allele.
Comment: p.Asp296Asn in exon 8 of ESRRB: This variant is not expected to have clinical si gnificance because it has been identified in 0.60% (21/3518) of Latino chromosom es by the Exome Aggregation Consortium (ExAC; db SNP rs145982062).

Breakthrough Genomics
Classification: Likely benign. Review status: criteria provided, single submitter. Criteria: ACMG Guidelines, 2015. Collection method: not provided. Allele origin: germline. Inheritance: Autosomal recessive inheritance. Affected: yes.

PreventionGenetics, part of Exact Sciences
Classification: Likely benign for ESRRB-related condition. Last evaluated: 2022-10-14. Review status: no assertion criteria provided. Collection method: clinical testing. Allele origin: germline. Not counted in ClinVar's aggregate classification.
Comment: This variant is classified as likely benign based on ACMG/AMP sequence variant interpretation guidelines (Richards et al. 2015 PMID: 25741868, with internal and published modifications).